The following is an entry in ClinVar:

NM_001128431.4(SLC39A14):c.412GAG[1] (p.Glu139del)

Gene: SLC39A14 (solute carrier family 39 member 14; plus strand). Cytogenetic location: 8p21.3.
Variant type: Microsatellite.
Coding change: c.412GAG[1] on transcript NM_001128431.4 (MANE Select); one copy of the 3-base unit GAG starting at c.412; the reference has two copies in a row; one copy, 3 bases deleted.
Protein change: p.Glu139del; deletes glutamic acid 139.
Molecular consequence: inframe deletion.
Genome position (GRCh38, 1-based): chr8:22,408,454-22,408,456, GAG deleted; deleting any 3 consecutive bases within chr8:22,408,451-22,408,456 gives the same sequence; the position shown is the placement nearest the transcript's 3' end. VCF-style (leftmost placement, unchanged base first): chr8-22408450-CGAG-C. GRCh37 (hg19) VCF-style: chr8-22265963-CGAG-C.
Other names: c.412GAG[1], p.Glu139del (NM_001135153.3, NM_001135154.3, NM_001351655.2 and 3 more transcripts); c.442GAG[1], p.Glu149del (NM_001351657.2, NM_001351658.2, NM_001351659.2); short protein forms E139del, E149del.
Identifiers: ClinVar variation 2220061 (VCV002220061.2), dbSNP rs1563575973, ClinGen allele CA580951434.
Genomic context (GRCh38, chr8:22,408,450, plus strand): 5'-CTGCCCCACCATCCTCCAGCAGCTGGATTCCCGGGCCTGCACCTCGGAGAACCAGGAAAA[CGAG>C]GAGAATGAGCAGACGGAGGAGGGGCGGCCAAGCGCTGTTGAAGGTGAGCCAGGCCAGGAA-3'

ClinVar aggregate classification (germline): Uncertain significance (1 of 4 stars; one submission).

Conditions:
Inborn genetic diseases. Identifiers: MedGen C0950123, MeSH D030342.

Submission:

Ambry Genetics
Classification: Uncertain significance for Inborn genetic diseases. Last evaluated: 2021-11-19. Review status: criteria provided, single submitter. Criteria: Ambry Variant Classification Scheme 2023. Collection method: clinical testing. Allele origin: germline.
Comment: The c.415_417delGAG (p.E139del) alteration is located in exon 3 (coding exon 2) of the SLC39A14 gene. This alteration consists of an in-frame deletion of 3 nucleotides between nucleotide positions c.415 and c.417, resulting in the deletion of <NA> residues. Based on insufficient or conflicting evidence, the clinical significance of this alteration remains unclear.